The following is an entry in ClinVar:

NM_001271938.2(MEGF8):c.4529G>T (p.Arg1510Leu)

Gene: MEGF8 (multiple EGF like domains 8; plus strand). Cytogenetic location: 19q13.2.
Variant type: single nucleotide variant.
Coding change: c.4529G>T on transcript NM_001271938.2 (MANE Select); coding-DNA position 4529, G replaced by T.
Protein change: p.Arg1510Leu; replaces arginine 1510 with leucine.
Molecular consequence: missense variant.
Genome position (GRCh38, 1-based): chr19:42,356,360, G>T. VCF-style: chr19-42356360-G-T. GRCh37 (hg19) VCF-style: chr19-42860512-G-T.
Other names: c.4328G>T, p.Arg1443Leu (NM_001410.3); short protein forms R1443L, R1510L.
Identifiers: ClinVar variation 2178434 (VCV002178434.4), dbSNP rs541874206, ClinGen allele CA406116127.

ClinVar aggregate classification (germline): Uncertain significance (1 of 4 stars; one submission).

Conditions:
MEGF8-related Carpenter syndrome. Also called: Carpenter syndrome 2. Identifiers: Orphanet 65759, MedGen C3554247, MONDO:0013998, OMIM 614976.

gnomAD v4.1: 4 of 1,612,862 alleles (0.00025%); highest among the groups gnomAD compares: Non-Finnish European, 0.00025%; no homozygotes.

Submission:

Labcorp Genetics (formerly Invitae), Labcorp
Classification: Uncertain significance for MEGF8-related Carpenter syndrome. Last evaluated: 2021-12-13. Review status: criteria provided, single submitter. Criteria: Invitae Variant Classification Sherloc (09022015). Collection method: clinical testing. Allele origin: germline.
Comment: In summary, the available evidence is currently insufficient to determine the role of this variant in disease. Therefore, it has been classified as a Variant of Uncertain Significance. Algorithms developed to predict the effect of missense changes on protein structure and function are either unavailable or do not agree on the potential impact of this missense change (SIFT: "Deleterious"; PolyPhen-2: "Probably Damaging"; Align-GVGD: "Class C0"). This variant has not been reported in the literature in individuals affected with MEGF8-related conditions. The frequency data for this variant in the population databases is considered unreliable, as metrics indicate poor data quality at this position in the gnomAD database. This sequence change replaces arginine, which is basic and polar, with leucine, which is neutral and non-polar, at codon 1443 of the MEGF8 protein (p.Arg1443Leu).